The following is an entry in ClinVar:

ClinVar aggregate classification (germline): Uncertain significance (1 of 4 stars; one submission).

Allele frequency attached by ClinVar (database versions not stated): gnomAD exomes below 0.00001.
gnomAD v4.1: 2 of 1,614,002 alleles (0.00012%); highest among the groups gnomAD compares: African/African-American, 0.0013%; no homozygotes.

Submission:

Labcorp Genetics (formerly Invitae), Labcorp
Classification: Uncertain significance. Last evaluated: 2022-08-30. Review status: criteria provided, single submitter. Criteria: Invitae Variant Classification Sherloc (09022015). Collection method: clinical testing. Allele origin: germline.
Comment: This sequence change replaces serine, which is neutral and polar, with phenylalanine, which is neutral and non-polar, at codon 355 of the RAI1 protein (p.Ser355Phe). This variant is not present in population databases (gnomAD no frequency). This variant has not been reported in the literature in individuals affected with RAI1-related conditions. Algorithms developed to predict the effect of missense changes on protein structure and function (SIFT, PolyPhen-2, Align-GVGD) all suggest that this variant is likely to be disruptive. In summary, the available evidence is currently insufficient to determine the role of this variant in disease. Therefore, it has been classified as a Variant of Uncertain Significance.

NM_030665.4(RAI1):c.1064C>T (p.Ser355Phe)

Gene: RAI1 (retinoic acid induced 1; plus strand). Cytogenetic location: 17p11.2.
Variant type: single nucleotide variant.
Coding change: c.1064C>T on transcript NM_030665.4 (MANE Select); coding-DNA position 1064, C replaced by T.
Protein change: p.Ser355Phe; replaces serine 355 with phenylalanine.
Molecular consequence: missense variant.
Genome position (GRCh38, 1-based): chr17:17,794,012, C>T. VCF-style: chr17-17794012-C-T. GRCh37 (hg19) VCF-style: chr17-17697326-C-T.
Other names: short protein forms S355F.
Identifiers: ClinVar variation 1718367 (VCV001718367.5), dbSNP rs2508573279, ClinGen allele CA398546813.
Genomic context (GRCh38, chr17:17,794,012, plus strand): 5'-ACCAGACCTTCAGCCCCAGCTCCAGCCACTCACCCGCCCGCTCCGTGGGCCGCTCACCTT[C>T]CTACAGTTCCACACCGTCGCCGCTGATGCCAAACCTGGAGAACTTTCCCTACAGCCAGCA-3'
Protein context (NP_109590.3, residues 345-365): SPARSVGRSP[Ser355Phe]YSSTPSPLMP